The following is an entry in ClinVar:

NM_003737.4(DCHS1):c.9661G>A (p.Ala3221Thr)

Gene: DCHS1 (dachsous cadherin-related 1; minus strand). Cytogenetic location: 11p15.4.
Variant type: single nucleotide variant.
Coding change: c.9661G>A on transcript NM_003737.4 (MANE Select); coding-DNA position 9661, G replaced by A.
Protein change: p.Ala3221Thr; replaces alanine 3221 with threonine.
Molecular consequence: missense variant.
Genome position (GRCh38, 1-based): chr11:6,622,015, C>T on the plus strand (G>A on the coding strand, the complement: DCHS1 is on the minus strand). VCF-style: chr11-6622015-C-T. GRCh37 (hg19) VCF-style: chr11-6643246-C-T.
Other names: short protein forms A3221T.
Identifiers: ClinVar variation 2006537 (VCV002006537.4), dbSNP rs993900360, ClinGen allele CA217328853.
Genomic context (GRCh38, chr11:6,622,015, plus strand): 5'-GGCTGATGGGGGAGCGGTGAGAAGCTGGTGGGAAGATGGCCCGGGCTGCAGCTGTGTTTG[C>T]TGGCTTGGGGGGCACAGACTTGGCTCCTGGGTGGGCCACGGCAGTGATGAGGGGTGGTGG-3'
Protein context (NP_003728.1, residues 3211-3231): PGAKSVPPKP[Ala3221Thr]NTAAARAIFP

ClinVar aggregate classification (germline): Uncertain significance (1 of 4 stars; one submission).

Allele frequency attached by ClinVar (database versions not stated): TOPMed below 0.00001; gnomAD 0.00001; gnomAD exomes 0.00001.

Submission:

Labcorp Genetics (formerly Invitae), Labcorp
Classification: Uncertain significance. Last evaluated: 2023-11-27. Review status: criteria provided, single submitter. Criteria: Invitae Variant Classification Sherloc (09022015). Collection method: clinical testing. Allele origin: germline.
Comment: This sequence change replaces alanine, which is neutral and non-polar, with threonine, which is neutral and polar, at codon 3221 of the DCHS1 protein (p.Ala3221Thr). The frequency data for this variant in the population databases is considered unreliable, as metrics indicate poor data quality at this position in the gnomAD database. This variant has not been reported in the literature in individuals affected with DCHS1-related conditions. ClinVar contains an entry for this variant (Variation ID: 2006537). Advanced modeling of protein sequence and biophysical properties (such as structural, functional, and spatial information, amino acid conservation, physicochemical variation, residue mobility, and thermodynamic stability) performed at Invitae indicates that this missense variant is not expected to disrupt DCHS1 protein function with a negative predictive value of 95%. In summary, the available evidence is currently insufficient to determine the role of this variant in disease. Therefore, it has been classified as a Variant of Uncertain Significance.